The following is an entry in ClinVar:

NM_001276270.2(MBD4):c.1026A>G (p.Ser342=)

Gene: MBD4 (methyl-CpG binding domain 4, DNA glycosylase; minus strand). Cytogenetic location: 3q21.3.
Variant type: single nucleotide variant.
Coding change: c.1026A>G on transcript NM_001276270.2 (MANE Select); coding-DNA position 1026, A replaced by G.
Protein change: p.Ser342=; no amino-acid change (serine 342 retained).
Molecular consequence: synonymous variant. On other transcripts: intron variant (1).
Genome position (GRCh38, 1-based): chr3:129,436,618, T>C on the plus strand (A>G on the coding strand, the complement: MBD4 is on the minus strand). VCF-style: chr3-129436618-T-C. GRCh37 (hg19) VCF-style: chr3-129155461-T-C.
Other names: c.1026A>G, p.Ser342= (NM_001276271.2, NM_001276272.2, NM_003925.3); c.247+1190A>G (NM_001276273.2).
Identifiers: ClinVar variation 5024021 (VCV005024021.1).

ClinVar aggregate classification (germline): Uncertain significance (1 of 4 stars; one submission).

Conditions:
Inborn genetic diseases. Identifiers: MedGen C0950123, MeSH D030342.

Submission:

Ambry Genetics
Classification: Uncertain significance for Inborn genetic diseases. Last evaluated: 2026-07-22. Review status: criteria provided, single submitter. Criteria: Ambry Variant Classification Scheme 2023. Collection method: clinical testing. Allele origin: germline.
Comment: The c.1026A>G variant (also known as p.S342S), located in coding exon 3 of the MBD4 gene, results from an A to G substitution at nucleotide position 1026. This nucleotide substitution does not change the amino acid at codon 342. This nucleotide position is well conserved in available vertebrate species. In silico splice site analysis for this alteration is inconclusive. Based on the available evidence, the clinical significance of this variant remains unclear.